The following is an entry in ClinVar:

ClinVar aggregate classification (germline): Uncertain significance (1 of 4 stars; one submission).

Submission:

GeneDx
Classification: Uncertain significance. Last evaluated: 2026-10-22. Review status: criteria provided, single submitter. Criteria: GeneDx Variant Classification Process June 2021. Collection method: clinical testing. Allele origin: germline.
Comment: Not observed at significant frequency in large population cohorts (gnomAD); In silico analysis supports that this missense variant has a deleterious effect on protein structure/function; Has not been previously published as pathogenic or benign to our knowledge

NM_001042424.3(NSD2):c.3311C>T (p.Ala1104Val)

Gene: NSD2 (nuclear receptor binding SET domain protein 2; plus strand). Cytogenetic location: 4p16.3.
Variant type: single nucleotide variant.
Coding change: c.3311C>T on transcript NM_001042424.3 (MANE Select); coding-DNA position 3311, C replaced by T.
Protein change: p.Ala1104Val; replaces alanine 1104 with valine.
Molecular consequence: missense variant.
Genome position (GRCh38, 1-based): chr4:1,961,090, C>T. VCF-style: chr4-1961090-C-T. GRCh37 (hg19) VCF-style: chr4-1962817-C-T.
Other names: c.3311C>T, p.Ala1104Val (NM_133330.3, NM_133331.3, NM_133335.4); short protein forms A1104V.
Identifiers: ClinVar variation 2503186 (VCV002503186.3), dbSNP rs2474669944, ClinGen allele CA355997401.